The following is an entry in ClinVar:

NM_001365536.1(SCN9A):c.1449G>T (p.Lys483Asn)

Genes: SCN9A (sodium voltage-gated channel alpha subunit 9; minus strand), SCN1A-AS1 (SCN1A and SCN9A antisense RNA 1; plus strand). Cytogenetic location: 2q24.3.
Variant type: single nucleotide variant.
Coding change: c.1449G>T on transcript NM_001365536.1 (MANE Select); coding-DNA position 1449, G replaced by T.
Protein change: p.Lys483Asn; replaces lysine 483 with asparagine.
Molecular consequence: missense variant.
Genome position (GRCh38, 1-based): chr2:166,286,489, C>A on the plus strand (G>T on the coding strand, the complement: SCN9A is on the minus strand). VCF-style: chr2-166286489-C-A. GRCh37 (hg19) VCF-style: chr2-167142999-C-A.
Other names: c.1449G>T, p.Lys483Asn (NM_002977.4); short protein forms K483N.
Identifiers: ClinVar variation 2200764 (VCV002200764.4), dbSNP rs201550725, ClinGen allele CA59800688.

ClinVar aggregate classification (germline): Uncertain significance (1 of 4 stars; one submission).

Conditions:
Generalized epilepsy with febrile seizures plus, type 7 (GEFSP7). Also called: GEFS+, TYPE 7. Identifiers: Orphanet 36387, MedGen C2751778, MONDO:0013470, OMIM 613863.
Neuropathy, hereditary sensory and autonomic, type 2A (HSAN2A). Also called: HSAN IIA; WNK1-Related HSAN2 (HSAN2A); ACROOSTEOLYSIS, GIACCAI TYPE; ACROOSTEOLYSIS, NEUROGENIC; MORVAN DISEASE; NEUROPATHY, CONGENITAL SENSORY. Identifiers: Orphanet 970, MedGen C2752089, MONDO:0024309, OMIM 201300.

Allele frequency attached by ClinVar (database versions not stated): TOPMed below 0.00001.

Submission:

Labcorp Genetics (formerly Invitae), Labcorp
Classification: Uncertain significance for Neuropathy, hereditary sensory and autonomic, type 2A; Generalized epilepsy with febrile seizures plus, type 7. Last evaluated: 2021-12-11. Review status: criteria provided, single submitter. Criteria: Invitae Variant Classification Sherloc (09022015). Collection method: clinical testing. Allele origin: germline.
Comment: This sequence change replaces lysine, which is basic and polar, with asparagine, which is neutral and polar, at codon 483 of the SCN9A protein (p.Lys483Asn). This variant is not present in population databases (gnomAD no frequency). In summary, the available evidence is currently insufficient to determine the role of this variant in disease. Therefore, it has been classified as a Variant of Uncertain Significance. Algorithms developed to predict the effect of missense changes on protein structure and function output the following: SIFT: "Tolerated"; PolyPhen-2: "Benign"; Align-GVGD: "Class C0". The asparagine amino acid residue is found in multiple mammalian species, which suggests that this missense change does not adversely affect protein function. This variant has not been reported in the literature in individuals affected with SCN9A-related conditions.